The following is an entry in ClinVar:

ClinVar aggregate classification (germline): Benign (1 of 4 stars; one submission).

Allele frequency attached by ClinVar (database versions not stated): 1000 Genomes Project 0.07188; 1000 Genomes Project 30x 0.07433; TOPMed 0.09521; gnomAD 0.10292 and 0.10310.
gnomAD v4.1: 15,676 of 151,996 alleles (10%); highest among the groups gnomAD compares: South Asian, 14%; 913 homozygotes.

Submission:

GeneDx
Classification: Benign. Last evaluated: 2018-06-19. Review status: criteria provided, single submitter. Criteria: GeneDx Variant Classification (06012015). Collection method: clinical testing. Allele origin: germline. Affected: yes.
Comment: This variant is considered likely benign or benign based on one or more of the following criteria: it is a conservative change, it occurs at a poorly conserved position in the protein, it is predicted to be benign by multiple in silico algorithms, and/or has population frequency not consistent with disease.

NM_020822.3(KCNT1):c.2349+301G>A

Gene: KCNT1 (potassium sodium-activated channel subfamily T member 1; plus strand). Cytogenetic location: 9q34.3.
Variant type: single nucleotide variant.
Coding change: c.2349+301G>A on transcript NM_020822.3 (MANE Select); 301 bases into the intron after coding-DNA position 2349, G replaced by A.
Molecular consequence: intron variant.
Genome position (GRCh38, 1-based): chr9:135,775,716, G>A. VCF-style: chr9-135775716-G-A. GRCh37 (hg19) VCF-style: chr9-138667562-G-A.
Other names: c.2214+301G>A (NM_001272003.2).
Identifiers: ClinVar variation 668931 (VCV000668931.1), dbSNP rs62584760, ClinGen allele CA13062341.